The following is an entry in ClinVar:

ClinVar aggregate classification (germline): Conflicting classifications of pathogenicity. Review status: criteria provided, conflicting classifications (1 of 4 stars). 7 submissions from 7 submitters: Uncertain significance (2); Likely benign (3). 2 of the submissions do not count toward it. Last evaluated 2026-02-09.

Conditions:
Long QT syndrome (LQTS). Identifiers: MedGen C0023976, MeSH D008133, MONDO:0002442. Disease mechanism: loss of function. Inheritance: Various modes of inheritance.
Timothy syndrome (TS). Also called: LONG QT SYNDROME WITH SYNDACTYLY. Identifiers: Orphanet 65283, MedGen C1832916, MeSH C536962, MONDO:0010979, OMIM 601005.
Cardiovascular phenotype. Identifiers: MedGen CN230736.

Allele frequency attached by ClinVar (database versions not stated): gnomAD 0.00001; TOPMed 0.00004; gnomAD exomes 0.00008 and 0.00010; ExAC 0.00018.
gnomAD v4.1: 132 of 1,613,850 alleles (0.0082%); highest among the groups gnomAD compares: Non-Finnish European, 0.0093%; no homozygotes.

Submissions (7):

GeneDx
Classification: Uncertain significance. Last evaluated: 2026-02-09. Review status: criteria provided, single submitter. Criteria: GeneDx Variant Classification Process June 2021. Collection method: clinical testing. Allele origin: germline.
Comment: In silico analysis suggests that this missense variant does not alter protein structure/function; This variant is associated with the following publications: (PMID: 31737537)

Labcorp Genetics (formerly Invitae), Labcorp
Classification: Likely benign for Long QT syndrome. Last evaluated: 2026-01-26. Review status: criteria provided, single submitter. Criteria: Invitae Variant Classification Sherloc (09022015). Collection method: clinical testing. Allele origin: germline.

Blueprint Genetics
Classification: Likely benign. Last evaluated: 2023-07-20. Review status: criteria provided, single submitter. Criteria: ACMG Guidelines, 2015. Collection method: clinical testing. Allele origin: germline.

Ambry Genetics
Classification: Likely benign for Cardiovascular phenotype. Last evaluated: 2022-04-04. Review status: criteria provided, single submitter. Criteria: Ambry Variant Classification Scheme 2023. Collection method: clinical testing. Allele origin: germline.

MVZ Martinsried, Medicover Genetics
Classification: Uncertain significance for Timothy syndrome. Last evaluated: 2018-04-23. Review status: criteria provided, single submitter. Criteria: ACMG Guidelines, 2015. Collection method: clinical testing. Allele origin: unknown. Affected: yes.

Clinical Genetics DNA and cytogenetics Diagnostics Lab, Erasmus MC, Erasmus Medical Center
Classification: Likely benign. Review status: no assertion criteria provided. Collection method: clinical testing. Allele origin: germline. Affected: yes. Study: VKGL Data-share Consensus. Not counted in ClinVar's aggregate classification.

Genome Diagnostics Laboratory, University Medical Center Utrecht
Classification: Likely benign. Review status: no assertion criteria provided. Collection method: clinical testing. Allele origin: germline. Affected: yes. Study: VKGL Data-share Consensus. Not counted in ClinVar's aggregate classification.

Literature cited by the submitters: PubMed 31737537 (cited by Ambry Genetics).

NM_000719.7(CACNA1C):c.5023G>A (p.Ala1675Thr)

Genes: CACNA1C (calcium voltage-gated channel subunit alpha1 C; plus strand), CACNA1C-AS1 (CACNA1C antisense RNA 1; minus strand). Cytogenetic location: 12p13.33.
Variant type: single nucleotide variant.
Coding change: c.5023G>A on transcript NM_000719.7 (MANE Select); coding-DNA position 5023, G replaced by A.
Protein change: p.Ala1675Thr; replaces alanine 1675 with threonine.
Molecular consequence: missense variant. On other transcripts: non-coding transcript variant (1).
Genome position (GRCh38, 1-based): chr12:2,677,799, G>A. VCF-style: chr12-2677799-G-A. GRCh37 (hg19) VCF-style: chr12-2786965-G-A.
Other names: c.5167G>A, p.Ala1723Thr (NM_001129827.2, NM_199460.4); c.5146G>A, p.Ala1716Thr (NM_001129829.2); c.5023G>A, p.Ala1675Thr (NM_001129830.3, NM_001129840.2, NM_001129841.2 and 4 more transcripts); c.5107G>A, p.Ala1703Thr (NM_001129831.2); c.5083G>A, p.Ala1695Thr (NM_001129832.2); c.5080G>A, p.Ala1694Thr (NM_001129833.2, NM_001129834.2, NM_001129835.2); c.5074G>A, p.Ala1692Thr (NM_001129836.2); c.5047G>A, p.Ala1683Thr (NM_001129837.2, NM_001129838.2); and 3 more; short protein forms A1675T, A1723T, A1716T, A1664T, A1692T, A1694T, A1703T, A1672T.
Identifiers: ClinVar variation 308159 (VCV000308159.18), dbSNP rs773930851, ClinGen allele CA6389682.